The following is an entry in ClinVar:

ClinVar aggregate classification (germline): Uncertain significance (1 of 4 stars; one submission).

Allele frequency attached by ClinVar (database versions not stated): gnomAD exomes below 0.00001.
gnomAD v4.1: 1 of 1,367,216 alleles (0.000073%); highest among the groups gnomAD compares: Non-Finnish European, 0.000098%; no homozygotes.

Submission:

Labcorp Genetics (formerly Invitae), Labcorp
Classification: Uncertain significance. Last evaluated: 2022-02-18. Review status: criteria provided, single submitter. Criteria: Invitae Variant Classification Sherloc (09022015). Collection method: clinical testing. Allele origin: germline.
Comment: In summary, the available evidence is currently insufficient to determine the role of this variant in disease. Therefore, it has been classified as a Variant of Uncertain Significance. Algorithms developed to predict the effect of missense changes on protein structure and function are either unavailable or do not agree on the potential impact of this missense change (SIFT: "Deleterious"; PolyPhen-2: "Not Available"; Align-GVGD: "Class C0"). This variant has not been reported in the literature in individuals affected with ERCC6L2-related conditions. This variant is not present in population databases (gnomAD no frequency). This sequence change replaces leucine, which is neutral and non-polar, with valine, which is neutral and non-polar, at codon 1541 of the ERCC6L2 protein (p.Leu1541Val).

NM_020207.7(ERCC6L2):c.4588T>G (p.Leu1530Val)

Gene: ERCC6L2 (ERCC excision repair 6 like 2; plus strand). Cytogenetic location: 9q22.32.
Variant type: single nucleotide variant.
Coding change: c.4588T>G on transcript NM_020207.7 (MANE Select); coding-DNA position 4588, T replaced by G.
Protein change: p.Leu1530Val; replaces leucine 1530 with valine.
Molecular consequence: missense variant. On other transcripts: non-coding transcript variant (1), intron variant (2).
Genome position (GRCh38, 1-based): chr9:96,013,138, T>G. VCF-style: chr9-96013138-T-G. GRCh37 (hg19) VCF-style: chr9-98775420-T-G.
Other names: c.3674+8437T>G (NM_001375291.1, NM_001375292.1); short protein forms L1530V.
Identifiers: ClinVar variation 2099053 (VCV002099053.4), dbSNP rs2490777810, ClinGen allele CA466124399.